The following is an entry in ClinVar:

ClinVar aggregate classification (germline): Likely benign (1 of 4 stars; one submission).

Conditions:
Lynch syndrome 4 (LYNCH4). Also called: Colorectal cancer, hereditary nonpolyposis, type 4; Hereditary non-polyposis colorectal cancer, type 4. Identifiers: Orphanet 144, MedGen C1838333, MONDO:0013699, OMIM 614337. Disease mechanism: loss of function.

Submission:

Myriad Genetics, Inc.
Classification: Likely benign for Lynch syndrome 4. Last evaluated: 2025-02-03. Review status: criteria provided, single submitter. Criteria: Myriad Autosomal Dominant, Autosomal Recessive and X-Linked Classification Criteria (2023). Collection method: clinical testing. Allele origin: unknown.
Comment: This variant is considered likely benign. This variant is intronic and is not expected to impact mRNA splicing.

NM_000535.7(PMS2):c.2276-18A>G

Gene: PMS2 (PMS1 homolog 2, mismatch repair system component; minus strand). Cytogenetic location: 7p22.1.
Variant type: single nucleotide variant.
Coding change: c.2276-18A>G on transcript NM_000535.7 (MANE Select); 18 bases into the intron before coding-DNA position 2276, A replaced by G.
Molecular consequence: intron variant. On other transcripts: missense variant (7).
Genome position (GRCh38, 1-based): chr7:5,977,775, T>C on the plus strand (A>G on the coding strand, the complement: PMS2 is on the minus strand). VCF-style: chr7-5977775-T-C. GRCh37 (hg19) VCF-style: chr7-6017406-T-C.
Other names: c.1886A>G, p.Gln629Arg (NM_001322009.2, NM_001406887.1, NM_001406888.1); c.2291A>G, p.Gln764Arg (NM_001322014.2); c.2135A>G, p.Gln712Arg (NM_001406870.1); c.1982A>G, p.Gln661Arg (NM_001406875.1); c.1973A>G, p.Gln658Arg (NM_001406876.1); c.1958-18A>G (NM_001322008.2, NM_001406883.1, NM_001322007.2); c.1967-18A>G (NM_001406881.1, NM_001406879.1, NM_001322015.2 and 4 more transcripts); c.1871-18A>G (NM_001406895.1, NM_001322004.2, NM_001406889.1 and 11 more transcripts); and 20 more; short protein forms Q629R, Q658R, Q661R, Q712R, Q764R.
Identifiers: ClinVar variation 3904765 (VCV003904765.1).